The following is an entry in ClinVar:

NM_003922.4(HERC1):c.6031C>G (p.Gln2011Glu)

Gene: HERC1 (HECT and RLD domain containing E3 ubiquitin protein ligase family member 1; minus strand). Cytogenetic location: 15q22.31.
Variant type: single nucleotide variant.
Coding change: c.6031C>G on transcript NM_003922.4 (MANE Select); coding-DNA position 6031, C replaced by G.
Protein change: p.Gln2011Glu; replaces glutamine 2011 with glutamic acid.
Molecular consequence: missense variant.
Genome position (GRCh38, 1-based): chr15:63,689,606, G>C on the plus strand (C>G on the coding strand, the complement: HERC1 is on the minus strand). VCF-style: chr15-63689606-G-C. GRCh37 (hg19) VCF-style: chr15-63981805-G-C.
Other names: short protein forms Q2011E.
Identifiers: ClinVar variation 1981452 (VCV001981452.6), dbSNP rs181018117, ClinGen allele CA272101611.
Genomic context (GRCh38, chr15:63,689,606, plus strand): 5'-CACTTATGCTGTTAAGAAATACCTTTTAGGAAAAACCAATTACCTGTAGTTTTATTTCTT[G>C]TTCTTTTTCCTTTATCTGAATAGCATGTTTGGCCTGAGCAATGGGTGTCTCCCACATACA-3'
Protein context (NP_003913.3, residues 2001-2021): KHAIQIKEKE[Gln2011Glu]EIKLQKQGEL

ClinVar aggregate classification (germline): Uncertain significance. Review status: criteria provided, multiple submitters, no conflicts (2 of 4 stars). 3 submissions from 3 submitters: Uncertain significance (2). 1 of the submissions does not count toward it. Last evaluated 2023-12-11.

Conditions:
HERC1-related disorder. Also called: HERC1-related condition.
Inborn genetic diseases. Identifiers: MedGen C0950123, MeSH D030342.

gnomAD v4.1: 10 of 1,553,980 alleles (0.00064%); highest among the groups gnomAD compares: Admixed American, 0.0019%; no homozygotes.

Submissions (3):

Labcorp Genetics (formerly Invitae), Labcorp
Classification: Uncertain significance. Last evaluated: 2023-12-11. Review status: criteria provided, single submitter. Criteria: Invitae Variant Classification Sherloc (09022015). Collection method: clinical testing. Allele origin: germline.
Comment: This sequence change replaces glutamine, which is neutral and polar, with glutamic acid, which is acidic and polar, at codon 2011 of the HERC1 protein (p.Gln2011Glu). This variant is present in population databases (no rsID available, gnomAD 0.003%). This variant has not been reported in the literature in individuals affected with HERC1-related conditions. ClinVar contains an entry for this variant (Variation ID: 1981452). Algorithms developed to predict the effect of missense changes on protein structure and function output the following: SIFT: "Not Available"; PolyPhen-2: "Benign"; Align-GVGD: "Not Available". The glutamic acid amino acid residue is found in multiple mammalian species, which suggests that this missense change does not adversely affect protein function. In summary, the available evidence is currently insufficient to determine the role of this variant in disease. Therefore, it has been classified as a Variant of Uncertain Significance.

Ambry Genetics
Classification: Uncertain significance for Inborn genetic diseases. Last evaluated: 2021-08-12. Review status: criteria provided, single submitter. Criteria: Ambry Variant Classification Scheme 2023. Collection method: clinical testing. Allele origin: germline.

PreventionGenetics, part of Exact Sciences
Classification: Uncertain significance for HERC1-related condition. Last evaluated: 2024-06-03. Review status: no assertion criteria provided. Collection method: clinical testing. Allele origin: germline. Not counted in ClinVar's aggregate classification.
Comment: The HERC1 c.6031C>G variant is predicted to result in the amino acid substitution p.Gln2011Glu. To our knowledge, this variant has not been reported in the literature. This variant is reported in 0.0027% of alleles in individuals of European (Non-Finnish) descent in gnomAD. At this time, the clinical significance of this variant is uncertain due to the absence of conclusive functional and genetic evidence.